The following is an entry in ClinVar:

ClinVar aggregate classification (germline): Uncertain significance (1 of 4 stars; one submission).

gnomAD v4.1: 31 of 1,614,042 alleles (0.0019%); highest among the groups gnomAD compares: Non-Finnish European, 0.0025%; no homozygotes.

Submission:

Labcorp Genetics (formerly Invitae), Labcorp
Classification: Uncertain significance. Last evaluated: 2024-10-07. Review status: criteria provided, single submitter. Criteria: Invitae Variant Classification Sherloc (09022015). Collection method: clinical testing. Allele origin: germline.
Comment: This sequence change replaces threonine, which is neutral and polar, with serine, which is neutral and polar, at codon 461 of the FNIP1 protein (p.Thr461Ser). This variant is present in population databases (no rsID available, gnomAD 0.0009%). This variant has not been reported in the literature in individuals affected with FNIP1-related conditions. An algorithm developed to predict the effect of missense changes on protein structure and function (PolyPhen-2) suggests that this variant is likely to be disruptive. In summary, the available evidence is currently insufficient to determine the role of this variant in disease. Therefore, it has been classified as a Variant of Uncertain Significance.

NM_133372.3(FNIP1):c.1382C>G (p.Thr461Ser)

Gene: FNIP1 (folliculin interacting protein 1; minus strand). Cytogenetic location: 5q31.1.
Variant type: single nucleotide variant.
Coding change: c.1382C>G on transcript NM_133372.3 (MANE Select); coding-DNA position 1382, C replaced by G.
Protein change: p.Thr461Ser; replaces threonine 461 with serine.
Molecular consequence: missense variant.
Genome position (GRCh38, 1-based): chr5:131,677,840, G>C on the plus strand (C>G on the coding strand, the complement: FNIP1 is on the minus strand). VCF-style: chr5-131677840-G-C. GRCh37 (hg19) VCF-style: chr5-131013533-G-C.
Other names: c.1298C>G, p.Thr433Ser (NM_001008738.3); c.1382C>G, p.Thr461Ser (NM_001346113.2); c.1247C>G, p.Thr416Ser (NM_001346114.2); short protein forms T433S, T461S, T416S.
Identifiers: ClinVar variation 3694520 (VCV003694520.2).